The following is an entry in ClinVar:

NM_004817.4(TJP2):c.1197C>T (p.Asp399=)

Gene: TJP2 (tight junction protein 2; plus strand). Cytogenetic location: 9q21.11.
Variant type: single nucleotide variant.
Coding change: c.1197C>T on transcript NM_004817.4 (MANE Select); coding-DNA position 1197, C replaced by T.
Protein change: p.Asp399=; no amino-acid change (aspartic acid 399 retained).
Molecular consequence: synonymous variant.
Genome position (GRCh38, 1-based): chr9:69,226,162, C>T. VCF-style: chr9-69226162-C-T. GRCh37 (hg19) VCF-style: chr9-71841078-C-T.
Other names: c.1128C>T, p.Asp376= (NM_001170414.2, NM_001369870.1, NM_001369871.1); c.1209C>T, p.Asp403= (NM_001170415.1, NM_001369874.1, NM_001369875.1); c.1290C>T, p.Asp430= (NM_001170416.2); c.1197C>T, p.Asp399= (NM_001369872.1, NM_001369873.1, NM_201629.3).
Identifiers: ClinVar variation 1202268 (VCV001202268.3), dbSNP rs760089916, ClinGen allele CA5073222.

ClinVar aggregate classification (germline): Uncertain significance. Review status: criteria provided, multiple submitters, no conflicts (2 of 4 stars). 2 submissions from 2 submitters: Uncertain significance (2). Last evaluated 2021-08-24.

Allele frequency attached by ClinVar (database versions not stated): ExAC 0.00002; gnomAD 0.00003 and 0.00004; gnomAD exomes 0.00003 and 0.00012; TOPMed 0.00006.
gnomAD v4.1: 172 of 1,613,948 alleles (0.011%); highest among the groups gnomAD compares: Non-Finnish European, 0.014%; no homozygotes.

Submissions (2):

GeneDx
Classification: Uncertain significance. Last evaluated: 2021-08-24. Review status: criteria provided, single submitter. Criteria: GeneDx Variant Classification Process June 2021. Collection method: clinical testing. Allele origin: germline. Affected: yes.
Comment: In silico analysis supports that this variant does not alter splicing; Has not been previously published as pathogenic or benign to our knowledge

Breakthrough Genomics
Classification: Uncertain significance. Review status: criteria provided, single submitter. Criteria: ACMG Guidelines, 2015. Collection method: not provided. Allele origin: germline. Inheritance: Autosomal recessive inheritance. Affected: yes.